The following is an entry in ClinVar:

ClinVar aggregate classification (germline): Likely benign. Review status: criteria provided, single submitter (1 of 4 stars). 2 submissions from 2 submitters: Likely benign (1). 1 of the submissions does not count toward it. Last evaluated 2022-08-02.

Conditions:
MKS1-related disorder. Also called: MKS1-related condition; MKS1-related disorders. Identifiers: MedGen CN239382.
Joubert syndrome. Also called: JOUBERT-BOLTSHAUSER SYNDROME; Familial aplasia of the vermis. Identifiers: Orphanet 475, MedGen C5979921, MONDO:0018772.
Meckel-Gruber syndrome. Also called: DYSENCEPHALIA SPLANCHNOCYSTICA; GRUBER SYNDROME; Dysencephalia splachnocystica. Identifiers: Orphanet 564, MedGen C0265215, MONDO:0018921.

Allele frequency attached by ClinVar (database versions not stated): gnomAD exomes below 0.00001.
gnomAD v4.1: 2 of 1,614,144 alleles (0.00012%); highest among the groups gnomAD compares: Non-Finnish European, 0.000085%; no homozygotes.

Submissions (2):

Labcorp Genetics (formerly Invitae), Labcorp
Classification: Likely benign for Joubert syndrome; Meckel-Gruber syndrome. Last evaluated: 2022-08-02. Review status: criteria provided, single submitter. Criteria: Invitae Variant Classification Sherloc (09022015). Collection method: clinical testing. Allele origin: germline.

PreventionGenetics, part of Exact Sciences
Classification: Likely benign for MKS1-related condition. Last evaluated: 2023-06-02. Review status: no assertion criteria provided. Collection method: clinical testing. Allele origin: germline. Not counted in ClinVar's aggregate classification.
Comment: This variant is classified as likely benign based on ACMG/AMP sequence variant interpretation guidelines (Richards et al. 2015 PMID: 25741868, with internal and published modifications).

NM_017777.4(MKS1):c.1470G>A (p.Leu490=)

Gene: MKS1 (MKS transition zone complex subunit 1; minus strand). Cytogenetic location: 17q22.
Variant type: single nucleotide variant.
Coding change: c.1470G>A on transcript NM_017777.4 (MANE Select); coding-DNA position 1470, G replaced by A.
Protein change: p.Leu490=; no amino-acid change (leucine 490 retained).
Molecular consequence: synonymous variant. On other transcripts: intron variant (2).
Genome position (GRCh38, 1-based): chr17:58,206,485, C>T on the plus strand (G>A on the coding strand, the complement: MKS1 is on the minus strand). VCF-style: chr17-58206485-C-T. GRCh37 (hg19) VCF-style: chr17-56283846-C-T.
Other names: c.861G>A, p.Leu287= (NM_001321268.2); c.1274-105G>A (NM_001330397.2); c.1408-105G>A (NM_001321269.2); c.1470G>A (NM_017777.3).
Identifiers: ClinVar variation 1586083 (VCV001586083.9), dbSNP rs1968517645, ClinGen allele CA501324244.